The following is an entry in ClinVar:

NM_007126.5(VCP):c.799T>A (p.Phe267Ile)

Gene: VCP (valosin containing protein; minus strand). Cytogenetic location: 9p13.3.
Variant type: single nucleotide variant.
Coding change: c.799T>A on transcript NM_007126.5 (MANE Select); coding-DNA position 799, T replaced by A.
Protein change: p.Phe267Ile; replaces phenylalanine 267 with isoleucine.
Molecular consequence: missense variant.
Genome position (GRCh38, 1-based): chr9:35,062,990, A>T on the plus strand (T>A on the coding strand, the complement: VCP is on the minus strand). VCF-style: chr9-35062990-A-T. GRCh37 (hg19) VCF-style: chr9-35062987-A-T.
Other names: c.664T>A, p.Phe222Ile (NM_001354927.2, NM_001354928.2); short protein forms F222I, F267I.
Identifiers: ClinVar variation 3814842 (VCV003814842.2).
Genomic context (GRCh38, chr9:35,062,990, plus strand): 5'-AGTTCAAAATTGGGTCTAGCTAGACATAAGATGAACCAAATATCTCACCATTGATCAAGA[A>T]GAAGAAGGCTCCAGTCTCATTTGCTACAGCTCGAGCAATCAGGGTCTTTCCTGTTCCAGG-3'
Protein context (NP_009057.1, residues 257-277): AVANETGAFF[Phe267Ile]LINGPEIMSK

ClinVar aggregate classification (germline): Uncertain significance (1 of 4 stars; one submission).

Conditions:
Inborn genetic diseases. Identifiers: MedGen C0950123, MeSH D030342.

Submission:

Ambry Genetics
Classification: Uncertain significance for Inborn genetic diseases. Last evaluated: 2025-05-06. Review status: criteria provided, single submitter. Criteria: Ambry Variant Classification Scheme 2023. Collection method: clinical testing. Allele origin: germline.
Comment: The c.799T>A (p.F267I) alteration is located in exon 7 (coding exon 7) of the VCP gene. This alteration results from a T to A substitution at nucleotide position 799, causing the phenylalanine (F) at amino acid position 267 to be replaced by an isoleucine (I). This variant was not reported in population-based cohorts in the Genome Aggregation Database (gnomAD). This amino acid position is highly conserved in available vertebrate species. This missense alteration is located in a region that has a low rate of benign missense variation (Lek, 2016; Firth, 2009). This alteration is predicted to be deleterious by in silico analysis. Based on insufficient or conflicting evidence, the clinical significance of this alteration remains unclear.